The following is an entry in ClinVar:

NM_015065.3(EXPH5):c.3198G>A (p.Met1066Ile)

Gene: EXPH5 (exophilin 5; minus strand). Cytogenetic location: 11q22.3.
Variant type: single nucleotide variant.
Coding change: c.3198G>A on transcript NM_015065.3 (MANE Select); coding-DNA position 3198, G replaced by A.
Protein change: p.Met1066Ile; replaces methionine 1066 with isoleucine.
Molecular consequence: missense variant.
Genome position (GRCh38, 1-based): chr11:108,512,309, C>T on the plus strand (G>A on the coding strand, the complement: EXPH5 is on the minus strand). VCF-style: chr11-108512309-C-T. GRCh37 (hg19) VCF-style: chr11-108383036-C-T.
Other names: c.2970G>A, p.Met990Ile (NM_001144763.2); c.2730G>A, p.Met910Ile (NM_001144764.2); c.2634G>A, p.Met878Ile (NM_001144765.2); c.3177G>A, p.Met1059Ile (NM_001308019.2); short protein forms M878I, M1059I, M1066I, M910I, M990I.
Identifiers: ClinVar variation 1388610 (VCV001388610.5), dbSNP rs116632603, ClinGen allele CA6267742.

ClinVar aggregate classification (germline): Uncertain significance (1 of 4 stars; one submission).

Allele frequency attached by ClinVar (database versions not stated): ExAC 0.00001; gnomAD exomes 0.00001; TOPMed 0.00007; gnomAD 0.00009 and 0.00011; 1000 Genomes Project 30x 0.00016; 1000 Genomes Project 0.00020.

Submission:

Labcorp Genetics (formerly Invitae), Labcorp
Classification: Uncertain significance. Last evaluated: 2021-09-24. Review status: criteria provided, single submitter. Criteria: Invitae Variant Classification Sherloc (09022015). Collection method: clinical testing. Allele origin: germline.
Comment: This sequence change replaces methionine with isoleucine at codon 1066 of the EXPH5 protein (p.Met1066Ile). The methionine residue is weakly conserved and there is a small physicochemical difference between methionine and isoleucine. This variant is present in population databases (rs116632603, ExAC 0.01%). This variant has not been reported in the literature in individuals affected with EXPH5-related conditions. Algorithms developed to predict the effect of missense changes on protein structure and function output the following: SIFT: "Tolerated"; PolyPhen-2: "Benign"; Align-GVGD: "Class C0". The isoleucine amino acid residue is found in multiple mammalian species, which suggests that this missense change does not adversely affect protein function. In summary, the available evidence is currently insufficient to determine the role of this variant in disease. Therefore, it has been classified as a Variant of Uncertain Significance.